The following is an entry in ClinVar:

NM_001165963.4(SCN1A):c.1663-2A>G

Gene: SCN1A (sodium voltage-gated channel alpha subunit 1; minus strand). Cytogenetic location: 2q24.3.
Variant type: single nucleotide variant.
Coding change: c.1663-2A>G on transcript NM_001165963.4 (MANE Select); the canonical splice acceptor site of the intron before coding-DNA position 1663, A replaced by G.
Molecular consequence: splice acceptor variant.
Genome position (GRCh38, 1-based): chr2:166,044,051, T>C on the plus strand (A>G on the coding strand, the complement: SCN1A is on the minus strand). VCF-style: chr2-166044051-T-C. GRCh37 (hg19) VCF-style: chr2-166900561-T-C.
Other names: c.1663-2A>G (NM_001353949.2, NM_001353958.2, NM_001353950.2 and 7 more transcripts); c.1660-2A>G (NM_001353955.2, NM_001353960.2, NM_001353954.2); c.-763-2A>G (NM_001353961.2).
Identifiers: ClinVar variation 588288 (VCV000588288.15), dbSNP rs1085307520, ClinGen allele CA349068149.
Genomic context (GRCh38, chr2:166,044,051, plus strand): 5'-AGGCTTGTTCTGCTATTTCGCCTTGGTGAAAATAGGGAGCCACGGATGCTCAACAAAGAC[T>C]AGAAGTTTGAAAGAGCAAACAAATAAAGTCATATTAATATGGACATTTGAATGTGATTTC-3'

ClinVar aggregate classification (germline): Pathogenic/Likely pathogenic. Review status: criteria provided, multiple submitters, no conflicts (2 of 4 stars). 2 submissions from 2 submitters: Pathogenic (1); Likely pathogenic (1). Last evaluated 2025-01-15.

Conditions:
Inborn genetic diseases. Identifiers: MedGen C0950123, MeSH D030342.
Early-infantile DEE. Also called: Early infantile epileptic encephalopathy; Ohtahara syndrome; Early infantile epileptic encephalopathy with suppression bursts. Identifiers: Orphanet 1934, MedGen C0393706, MONDO:0800491.

Submissions (2):

Labcorp Genetics (formerly Invitae), Labcorp
Classification: Pathogenic for Early-infantile DEE. Last evaluated: 2025-01-15. Review status: criteria provided, single submitter. Criteria: Invitae Variant Classification Sherloc (09022015). Collection method: clinical testing. Allele origin: germline.
Comment: This sequence change affects an acceptor splice site in intron 10 of the SCN1A gene. It is expected to disrupt RNA splicing. Variants that disrupt the donor or acceptor splice site typically lead to a loss of protein function (PMID: 16199547), and loss-of-function variants in SCN1A are known to be pathogenic (PMID: 17347258, 18930999). This variant is not present in population databases (gnomAD no frequency). Disruption of this splice site has been observed in individual(s) with severe myoclonic epilepsy of infancy (PMID: 17347258). In at least one individual the variant was observed to be de novo. ClinVar contains an entry for this variant (Variation ID: 588288). Algorithms developed to predict the effect of sequence changes on RNA splicing suggest that this variant may disrupt the consensus splice site. For these reasons, this variant has been classified as Pathogenic.

Ambry Genetics
Classification: Likely pathogenic for Inborn genetic diseases. Last evaluated: 2022-11-01. Review status: criteria provided, single submitter. Criteria: Ambry Variant Classification Scheme 2023. Collection method: clinical testing. Allele origin: germline.
Comment: The c.1663-2A>G intronic variant results from an A to G substitution two nucleotides upstream from coding exon 11 in the SCN1A gene. This variant is considered to be rare based on population cohorts in the Genome Aggregation Database (gnomAD). This nucleotide position is highly conserved in available vertebrate species. In silico splice site analysis predicts that this alteration will weaken the native splice acceptor site and may result in the creation or strengthening of a novel splice acceptor site. Alterations that disrupt the canonical splice site are expected to cause aberrant splicing, resulting in an abnormal protein or a transcript that is subject to nonsense-mediated mRNA decay. As such, this alteration is classified as likely pathogenic.

Literature cited by the submitters: PubMed 16199547 (cited by Labcorp Genetics (formerly Invitae), Labcorp); PubMed 17347258 (cited by Labcorp Genetics (formerly Invitae), Labcorp); PubMed 18930999 (cited by Labcorp Genetics (formerly Invitae), Labcorp).